The following is an entry in ClinVar:

NM_000039.3(APOA1):c.233C>T (p.Thr78Ile)

Genes: APOA1 (apolipoprotein A1; minus strand), APOA1-AS (APOA1 antisense RNA; plus strand). Cytogenetic location: 11q23.3.
Variant type: single nucleotide variant.
Coding change: c.233C>T on transcript NM_000039.3 (MANE Select); coding-DNA position 233, C replaced by T.
Protein change: p.Thr78Ile; replaces threonine 78 with isoleucine.
Molecular consequence: missense variant.
Genome position (GRCh38, 1-based): chr11:116,836,379, G>A on the plus strand (C>T on the coding strand, the complement: APOA1 is on the minus strand). VCF-style: chr11-116836379-G-A. GRCh37 (hg19) VCF-style: chr11-116707095-G-A.
Other names: c.233C>T, p.Thr78Ile (NM_001318017.2, NM_001318018.2); c.-95C>T (NM_001318021.2); short protein forms T78I.
Identifiers: ClinVar variation 1789838 (VCV001789838.5), dbSNP rs1186379024, ClinGen allele CA382717385.

ClinVar aggregate classification (germline): Uncertain significance. Review status: criteria provided, multiple submitters, no conflicts (2 of 4 stars). 2 submissions from 2 submitters: Uncertain significance (2). Last evaluated 2025-06-22.

Conditions:
Cardiovascular phenotype. Identifiers: MedGen CN230736.

Allele frequency attached by ClinVar (database versions not stated): gnomAD 0.00001; gnomAD exomes 0.00001; TOPMed 0.00001.
gnomAD v4.1: 14 of 1,614,000 alleles (0.00087%); highest among the groups gnomAD compares: South Asian, 0.0011%; no homozygotes.

Submissions (2):

Labcorp Genetics (formerly Invitae), Labcorp
Classification: Uncertain significance. Last evaluated: 2025-06-22. Review status: criteria provided, single submitter. Criteria: Invitae Variant Classification Sherloc (09022015). Collection method: clinical testing. Allele origin: germline.
Comment: This sequence change replaces threonine, which is neutral and polar, with isoleucine, which is neutral and non-polar, at codon 78 of the APOA1 protein (p.Thr78Ile). This variant is present in population databases (no rsID available, gnomAD 0.002%). This variant has not been reported in the literature in individuals affected with APOA1-related conditions. ClinVar contains an entry for this variant (Variation ID: 1789838). Invitae Evidence Modeling of protein sequence and biophysical properties (such as structural, functional, and spatial information, amino acid conservation, physicochemical variation, residue mobility, and thermodynamic stability) has been performed for this missense variant. However, the output from this modeling did not meet the statistical confidence thresholds required to predict the impact of this variant on APOA1 protein function. In summary, the available evidence is currently insufficient to determine the role of this variant in disease. Therefore, it has been classified as a Variant of Uncertain Significance.

Ambry Genetics
Classification: Uncertain significance for Cardiovascular phenotype. Last evaluated: 2022-03-09. Review status: criteria provided, single submitter. Criteria: Ambry Variant Classification Scheme 2023. Collection method: clinical testing. Allele origin: germline.
Comment: The p.T78I variant (also known as c.233C>T), located in coding exon 3 of the APOA1 gene, results from a C to T substitution at nucleotide position 233. The threonine at codon 78 is replaced by isoleucine, an amino acid with similar properties. This amino acid position is conserved. In addition, this alteration is predicted to be tolerated by in silico analysis. Since supporting evidence is limited at this time, the clinical significance of this alteration remains unclear.